The following is an entry in ClinVar:

NM_001384140.1(PCDH15):c.4672-1657_4672-1640del

Gene: PCDH15 (protocadherin related 15; minus strand). Cytogenetic location: 10q21.1.
Variant type: Deletion.
Coding change: c.4672-1657_4672-1640del on transcript NM_001384140.1 (MANE Select); 1657 bases into the intron before coding-DNA position 4672 through 1640 bases into the intron before coding-DNA position 4672, 18 bases deleted (TGGGGCTATCAGGTACCA).
Molecular consequence: intron variant. On other transcripts: inframe indel (1), 3 prime UTR variant (1), inframe deletion (1).
Genome position (GRCh38, 1-based): chr10:53,808,770-53,808,787, TGGTACCTGATAGCCCCA deleted on the plus strand (TGGGGCTATCAGGTACCA on the coding strand, the reverse complement: PCDH15 is on the minus strand); deleting any 18 consecutive bases within chr10:53,808,770-53,808,790 gives the same sequence; the c. name uses the placement nearest the transcript's 3' end. VCF-style (leftmost placement, unchanged base first): chr10-53808769-CTGGTACCTGATAGCCCCA-C. GRCh37 (hg19) VCF-style: chr10-55568529-CTGGTACCTGATAGCCCCA-C.
Other names: c.5275_5292del18, p.Trp1760_Pro1765del (NM_001142769.4); c.*693_*710del (NM_001142770.3); c.5257_5274del, p.Trp1753_Pro1758del (NM_001354411.2); c.4477-1657_4477-1640del (NM_001354420.2); c.4606-1657_4606-1640del (NM_001354429.2); c.4483-1657_4483-1640del (NM_001142772.2); c.4498-1657_4498-1640del (NM_001142771.2).
Identifiers: ClinVar variation 4685462 (VCV004685462.1).
Genomic context (GRCh38, chr10:53,808,769, plus strand): 5'-AACCTTCAGAGTTTGCTCCTGGCGACTTCTTTTGGTTTGCATTCTTGCTTCTGTCATACG[CTGGTACCTGATAGCCCCA>C]TGGACCTCCAGACTGACTTTCGCTACTACTGCTACTACTACCTGATTCTGATTCCTCCTC-3'

ClinVar aggregate classification (germline): Uncertain significance (1 of 4 stars; one submission).

Conditions:
Usher syndrome type 1D (USH1D). Also called: USHER SYNDROME, TYPE ID. Identifiers: Orphanet 231169, Orphanet 886, MedGen C1832845, MONDO:0010984, OMIM 601067.

Submission:

Laboratory of Prof. Karen Avraham, Tel Aviv University
Classification: Uncertain significance for Usher syndrome type 1D. Last evaluated: 2026-01-12. Review status: criteria provided, single submitter. Criteria: ACMG Guidelines, 2015. Collection method: research. Allele origin: germline. Inheritance: Autosomal recessive inheritance. Affected: yes. Observed: 1 compound heterozygote.